The following is an entry in ClinVar:

ClinVar aggregate classification (germline): Benign/Likely benign. Review status: criteria provided, multiple submitters, no conflicts (2 of 4 stars). 4 submissions from 4 submitters: Benign (2); Likely benign (1). 1 of the submissions does not count toward it. Last evaluated 2026-02-04.

Allele frequency attached by ClinVar (database versions not stated): ESP Exome Variant Server 0.21275; gnomAD 0.23095 and 0.23967; TOPMed 0.23583; ExAC 0.25273; gnomAD exomes 0.25340; 1000 Genomes Project 30x 0.33370; 1000 Genomes Project 0.33926.
gnomAD v4.1: 328,939 of 1,561,946 alleles (21%); highest among the groups gnomAD compares: South Asian, 41%; 39,564 homozygotes.

Submissions (4):

Labcorp Genetics (formerly Invitae), Labcorp
Classification: Benign. Last evaluated: 2026-02-04. Review status: criteria provided, single submitter. Criteria: Invitae Variant Classification Sherloc (09022015). Collection method: clinical testing. Allele origin: germline.

Blueprint Genetics
Classification: Likely benign. Last evaluated: 2024-11-27. Review status: criteria provided, single submitter. Criteria: ACMG Guidelines, 2015. Collection method: clinical testing. Allele origin: germline.

GeneDx
Classification: Benign. Last evaluated: 2018-11-12. Review status: criteria provided, single submitter. Criteria: GeneDx Variant Classification Process June 2021. Collection method: clinical testing. Allele origin: germline. Affected: yes.

Genetic Services Laboratory, University of Chicago
Classification: Likely benign for AllHighlyPenetrant. Review status: no assertion criteria provided. Collection method: clinical testing. Allele origin: germline. Inheritance: Autosomal recessive inheritance. Not counted in ClinVar's aggregate classification.
Comment: Likely benign based on allele frequency in 1000 Genomes Project or ESP global frequency and its presence in a patient with a rare or unrelated disease phenotype. NOT Sanger confirmed.

NM_173560.4(RFX6):c.1383T>C (p.Thr461=)

Gene: RFX6 (regulatory factor X6; plus strand). Cytogenetic location: 6q22.1.
Variant type: single nucleotide variant.
Coding change: c.1383T>C on transcript NM_173560.4 (MANE Select); coding-DNA position 1383, T replaced by C.
Protein change: p.Thr461=; no amino-acid change (threonine 461 retained).
Molecular consequence: synonymous variant.
Genome position (GRCh38, 1-based): chr6:116,922,097, T>C. VCF-style: chr6-116922097-T-C. GRCh37 (hg19) VCF-style: chr6-117243260-T-C.
Identifiers: ClinVar variation 130150 (VCV000130150.16), dbSNP rs7764347, ClinGen allele CA154956.